The following is an entry in ClinVar:

NM_001136472.2(LITAF):c.377+1763A>G

Gene: LITAF (lipopolysaccharide induced TNF factor; minus strand). Cytogenetic location: 16p13.13.
Variant type: single nucleotide variant.
Coding change: c.377+1763A>G on transcript NM_001136472.2 (MANE Select); 1763 bases into the intron after coding-DNA position 377, A replaced by G.
Molecular consequence: intron variant. On other transcripts: missense variant (1).
Genome position (GRCh38, 1-based): chr16:11,551,770, T>C on the plus strand (A>G on the coding strand, the complement: LITAF is on the minus strand). VCF-style: chr16-11551770-T-C. GRCh37 (hg19) VCF-style: chr16-11645626-T-C.
Other names: c.412A>G, p.Ser138Gly (NM_001136473.1); c.377+1763A>G (NM_004862.4); short protein forms S138G.
Identifiers: ClinVar variation 677273 (VCV000677273.4), dbSNP rs61617938, ClinGen allele CA7904060.

ClinVar aggregate classification (germline): Benign. Review status: criteria provided, multiple submitters, no conflicts (2 of 4 stars). 3 submissions from 3 submitters: Benign (2). 1 of the submissions does not count toward it. Last evaluated 2018-06-16.

Conditions:
LITAF-related disorder. Also called: LITAF-related condition.

Allele frequency attached by ClinVar (database versions not stated): gnomAD exomes 0.01126 and 0.01226; ExAC 0.01332; gnomAD 0.04808 and 0.05163; 1000 Genomes Project 0.05012; 1000 Genomes Project 30x 0.05325; TOPMed 0.05497.
gnomAD v4.1: 13,687 of 685,142 alleles (2%); highest among the groups gnomAD compares: African/African-American, 14%; 641 homozygotes.

Submissions (3):

GeneDx
Classification: Benign. Last evaluated: 2018-06-16. Review status: criteria provided, single submitter. Criteria: GeneDx Variant Classification (06012015). Collection method: clinical testing. Allele origin: germline. Affected: yes.
Comment: This variant is considered likely benign or benign based on one or more of the following criteria: it is a conservative change, it occurs at a poorly conserved position in the protein, it is predicted to be benign by multiple in silico algorithms, and/or has population frequency not consistent with disease.

Breakthrough Genomics
Classification: Benign. Review status: criteria provided, single submitter. Criteria: ACMG Guidelines, 2015. Collection method: not provided. Allele origin: germline. Inheritance: Autosomal dominant inheritance. Affected: yes.

PreventionGenetics, part of Exact Sciences
Classification: Benign for LITAF-related condition. Last evaluated: 2019-05-10. Review status: no assertion criteria provided. Collection method: clinical testing. Allele origin: germline. Not counted in ClinVar's aggregate classification.
Comment: This variant is classified as benign based on ACMG/AMP sequence variant interpretation guidelines (Richards et al. 2015 PMID: 25741868, with internal and published modifications).